The following is an entry in ClinVar:

NM_178040.4(ERC1):c.1372A>G (p.Lys458Glu)

Gene: ERC1 (ELKS/RAB6-interacting/CAST family member 1; plus strand). Cytogenetic location: 12p13.33.
Variant type: single nucleotide variant.
Coding change: c.1372A>G on transcript NM_178040.4 (MANE Select); coding-DNA position 1372, A replaced by G.
Protein change: p.Lys458Glu; replaces lysine 458 with glutamic acid.
Molecular consequence: missense variant. On other transcripts: intron variant (1).
Genome position (GRCh38, 1-based): chr12:1,112,269, A>G. VCF-style: chr12-1112269-A-G. GRCh37 (hg19) VCF-style: chr12-1221435-A-G.
Other names: c.1372A>G, p.Lys458Glu (NM_001301248.1); c.1317+1922A>G (NM_178039.4); short protein forms K458E.
Identifiers: ClinVar variation 3043480 (VCV003043480.2), dbSNP rs150360885, ClinGen allele CA6384445.
Genomic context (GRCh38, chr12:1,112,269, plus strand): 5'-TGACAGGTAGAACAACTGAAGGAGGAACTAAGTTCGAAAGAGGCTCAATGGGAGGAGCTG[A>G]AAAAGAAAGCGGCTGGTCTTCAGGCTGAGGTCTTTGCCGTAAGATTTACCTCTTTGTGTG-3'
Protein context (NP_829884.1, residues 448-468): SSKEAQWEEL[Lys458Glu]KKAAGLQAEI

ClinVar aggregate classification (germline): Benign (0 of 4 stars; one submission).

Conditions:
ERC1-related disorder. Also called: ERC1-related condition.

Allele frequency attached by ClinVar (database versions not stated): TOPMed 0.00029; ESP Exome Variant Server 0.00054; 1000 Genomes Project 30x 0.00109; gnomAD exomes 0.00114; 1000 Genomes Project 0.00120; ExAC 0.00164; gnomAD 0.00180.
gnomAD v4.1: 1,910 of 1,613,090 alleles (0.12%); highest among the groups gnomAD compares: South Asian, 0.056%; 20 homozygotes.

Submission:

PreventionGenetics, part of Exact Sciences
Classification: Benign for ERC1-related condition. Last evaluated: 2019-07-03. Review status: no assertion criteria provided. Collection method: clinical testing. Allele origin: germline.
Comment: This variant is classified as benign based on ACMG/AMP sequence variant interpretation guidelines (Richards et al. 2015 PMID: 25741868, with internal and published modifications).